The following is an entry in ClinVar:

NM_001250.6(CD40):c.367C>T (p.Arg123Cys)

Gene: CD40 (CD40 molecule; plus strand). Cytogenetic location: 20q13.12.
Variant type: single nucleotide variant.
Coding change: c.367C>T on transcript NM_001250.6 (MANE Select); coding-DNA position 367, C replaced by T.
Protein change: p.Arg123Cys; replaces arginine 123 with cysteine.
Molecular consequence: missense variant. On other transcripts: non-coding transcript variant (2).
Genome position (GRCh38, 1-based): chr20:46,122,720, C>T. VCF-style: chr20-46122720-C-T. GRCh37 (hg19) VCF-style: chr20-44751359-C-T.
Other names: c.367C>T, p.Arg123Cys (NM_001302753.2, NM_001322421.2, NM_001322422.2 and 3 more transcripts); short protein forms R123C.
Identifiers: ClinVar variation 4691311 (VCV004691311.1).

ClinVar aggregate classification (germline): Uncertain significance (1 of 4 stars; one submission).

gnomAD v4.1: 10 of 1,614,112 alleles (0.00062%); highest among the groups gnomAD compares: Non-Finnish European, 0.00068%; no homozygotes.

Submission:

Labcorp Genetics (formerly Invitae), Labcorp
Classification: Uncertain significance. Last evaluated: 2025-08-18. Review status: criteria provided, single submitter. Criteria: Invitae Variant Classification Sherloc (09022015). Collection method: clinical testing. Allele origin: germline.
Comment: This sequence change replaces arginine, which is basic and polar, with cysteine, which is neutral and slightly polar, at codon 123 of the CD40 protein (p.Arg123Cys). This variant is present in population databases (no rsID available, gnomAD 0.0009%). This variant has not been reported in the literature in individuals affected with CD40-related conditions. Invitae Evidence Modeling of protein sequence and biophysical properties (such as structural, functional, and spatial information, amino acid conservation, physicochemical variation, residue mobility, and thermodynamic stability) indicates that this missense variant is expected to disrupt CD40 protein function with a positive predictive value of 80%. In summary, the available evidence is currently insufficient to determine the role of this variant in disease. Therefore, it has been classified as a Variant of Uncertain Significance.